The following is an entry in ClinVar:

ClinVar aggregate classification (germline): Uncertain significance (1 of 4 stars; one submission).

Submission:

GeneDx
Classification: Uncertain significance. Last evaluated: 2021-04-02. Review status: criteria provided, single submitter. Criteria: GeneDx Variant Classification Process June 2021. Collection method: clinical testing. Allele origin: germline. Affected: yes.
Comment: Not observed in large population cohorts (Lek et al., 2016); In silico analysis supports that this missense variant does not alter protein structure/function; Has not been previously published as pathogenic or benign to our knowledge

NM_001148.6(ANK2):c.4388A>G (p.Gln1463Arg)

Gene: ANK2 (ankyrin 2; plus strand). Cytogenetic location: 4q26.
Variant type: single nucleotide variant.
Coding change: c.4388A>G on transcript NM_001148.6 (MANE Select); coding-DNA position 4388, A replaced by G.
Protein change: p.Gln1463Arg; replaces glutamine 1463 with arginine.
Molecular consequence: missense variant. On other transcripts: intron variant (8).
Genome position (GRCh38, 1-based): chr4:113,348,292, A>G. VCF-style: chr4-113348292-A-G. GRCh37 (hg19) VCF-style: chr4-114269448-A-G.
Other names: c.4361A>G, p.Gln1454Arg (NM_001127493.3); c.4400A>G, p.Gln1467Arg (NM_001354225.2); c.4289A>G, p.Gln1430Arg (NM_001354228.2, NM_001354258.2); c.4367A>G, p.Gln1456Arg (NM_001354230.2); c.4430A>G, p.Gln1477Arg (NM_001354231.2, NM_001354242.2); c.4424A>G, p.Gln1475Arg (NM_001354232.2); c.4385A>G, p.Gln1462Arg (NM_001354235.2, NM_001354246.2, NM_001354265.2); c.4286A>G, p.Gln1429Arg (NM_001354236.2); and 33 more; short protein forms Q1302R, Q1335R, Q1363R, Q1368R, Q1376R, Q1388R, Q1392R, Q1397R.
Identifiers: ClinVar variation 1321076 (VCV001321076.2), dbSNP rs2153999754, ClinGen allele CA357913739.